The following is an entry in ClinVar:

NM_000237.3(LPL):c.273G>C (p.Trp91Cys)

Gene: LPL (lipoprotein lipase; plus strand). Cytogenetic location: 8p21.3.
Variant type: single nucleotide variant.
Coding change: c.273G>C on transcript NM_000237.3 (MANE Select); coding-DNA position 273, G replaced by C.
Protein change: p.Trp91Cys; replaces tryptophan 91 with cysteine.
Molecular consequence: missense variant.
Genome position (GRCh38, 1-based): chr8:19,951,792, G>C. VCF-style: chr8-19951792-G-C. GRCh37 (hg19) VCF-style: chr8-19809303-G-C.
Other names: short protein forms W91C.
Identifiers: ClinVar variation 1795424 (VCV001795424.2), dbSNP rs756598856, ClinGen allele CA370467394.

ClinVar aggregate classification (germline): Uncertain significance (1 of 4 stars; one submission).

Conditions:
Cardiovascular phenotype. Identifiers: MedGen CN230736.

gnomAD v4.1: 1 of 1,614,170 alleles (0.000062%); highest among the groups gnomAD compares: East Asian, 0.0022%; no homozygotes.

Submission:

Ambry Genetics
Classification: Uncertain significance for Cardiovascular phenotype. Last evaluated: 2022-03-19. Review status: criteria provided, single submitter. Criteria: Ambry Variant Classification Scheme 2023. Collection method: clinical testing. Allele origin: germline.
Comment: The p.W91C variant (also known as c.273G>C), located in coding exon 3 of the LPL gene, results from a G to C substitution at nucleotide position 273. The tryptophan at codon 91 is replaced by cysteine, an amino acid with highly dissimilar properties. This amino acid position is conserved. In addition, this alteration is predicted to be deleterious by in silico analysis. Since supporting evidence is limited at this time, the clinical significance of this alteration remains unclear.